The following is an entry in ClinVar:

NM_014727.3(KMT2B):c.290G>A (p.Arg97Gln)

Gene: KMT2B (lysine methyltransferase 2B; plus strand). Cytogenetic location: 19q13.12.
Variant type: single nucleotide variant.
Coding change: c.290G>A on transcript NM_014727.3 (MANE Select); coding-DNA position 290, G replaced by A.
Protein change: p.Arg97Gln; replaces arginine 97 with glutamine.
Molecular consequence: missense variant.
Genome position (GRCh38, 1-based): chr19:35,718,308, G>A. VCF-style: chr19-35718308-G-A. GRCh37 (hg19) VCF-style: chr19-36209210-G-A.
Other names: short protein forms R97Q.
Identifiers: ClinVar variation 4720432 (VCV004720432.1).

ClinVar aggregate classification (germline): Uncertain significance (1 of 4 stars; one submission).

Submission:

Labcorp Genetics (formerly Invitae), Labcorp
Classification: Uncertain significance. Last evaluated: 2025-08-07. Review status: criteria provided, single submitter. Criteria: Invitae Variant Classification Sherloc (09022015). Collection method: clinical testing. Allele origin: germline.
Comment: This sequence change replaces arginine, which is basic and polar, with glutamine, which is neutral and polar, at codon 97 of the KMT2B protein (p.Arg97Gln). This variant is not present in population databases (gnomAD no frequency). This variant has not been reported in the literature in individuals affected with KMT2B-related conditions. Invitae Evidence Modeling of protein sequence and biophysical properties (such as structural, functional, and spatial information, amino acid conservation, physicochemical variation, residue mobility, and thermodynamic stability) indicates that this missense variant is not expected to disrupt KMT2B protein function with a negative predictive value of 95%. In summary, the available evidence is currently insufficient to determine the role of this variant in disease. Therefore, it has been classified as a Variant of Uncertain Significance.